The following is an entry in ClinVar:

ClinVar aggregate classification (germline): Pathogenic (1 of 4 stars; one submission).

Conditions:
Autosomal recessive nonsyndromic hearing loss 77. Identifiers: Orphanet 90636, MedGen C2746083, MONDO:0013119, OMIM 613079.

Submission:

Myriad Genetics, Inc.
Classification: Pathogenic for Autosomal recessive nonsyndromic hearing loss 77. Last evaluated: 2024-05-14. Review status: criteria provided, single submitter. Criteria: Myriad Autosomal Dominant, Autosomal Recessive and X-Linked Classification Criteria (2023). Collection method: clinical testing. Allele origin: unknown.
Comment: NM_144612.6(LOXHD1):c.5726_5727del2ins12(D1909Gfs*19) is expected to be pathogenic in the context of nonsyndromic hearing loss, LOXHD1-related. This variant is predicted to lead to an abnormal or absent protein product due to the creation of a premature termination codon in LOXHD1, a gene where loss-of-function variants are known to be pathogenic. Please note: this variant was assessed in the context of healthy population screening.

NM_001384474.1(LOXHD1):c.5912_5913delinsGTATAAGAGACA (p.Asp1971fs)

Gene: LOXHD1 (lipoxygenase homology PLAT domains 1; minus strand). Cytogenetic location: 18q21.1.
Variant type: Indel.
Coding change: c.5912_5913delinsGTATAAGAGACA on transcript NM_001384474.1 (MANE Select); coding-DNA positions 5912 to 5913, AT replaced by GTATAAGAGACA.
Protein change: p.Asp1971fs; shifts the reading frame from aspartic acid 1971.
Molecular consequence: frameshift variant.
Genome position (GRCh38, 1-based): chr18:46,489,108-46,489,109, AT replaced by TGTCTCTTATAC on the plus strand (AT replaced by GTATAAGAGACA on the coding strand, the reverse complement: LOXHD1 is on the minus strand). VCF-style: chr18-46489108-AT-TGTCTCTTATAC. GRCh37 (hg19) VCF-style: chr18-44069071-AT-TGTCTCTTATAC.
Other names: c.2579_2580delinsGTATAAGAGACA, p.Asp860fs (NM_001145472.3); c.629_630delinsGTATAAGAGACA, p.Asp210fs (NM_001145473.3, NM_001173129.2); c.2291_2292delinsGTATAAGAGACA, p.Asp764fs (NM_001308013.2); c.5726_5727delinsGTATAAGAGACA, p.Asp1909fs (NM_144612.7); short protein forms D1909fs, D1971fs, D210fs, D764fs, D860fs.
Identifiers: ClinVar variation 5010597 (VCV005010597.1).